The following is an entry in ClinVar:

ClinVar aggregate classification (germline): Likely pathogenic. Review status: criteria provided, multiple submitters, no conflicts (2 of 4 stars). 2 submissions from 2 submitters: Likely pathogenic (2). Last evaluated 2024-08-19.

Conditions:
Congenital microcephaly - severe encephalopathy - progressive cerebral atrophy syndrome. Also called: Asparagine synthetase deficiency; ASNS DEFICIENCY. Identifiers: Orphanet 391376, MedGen C3809971, MONDO:0014258, OMIM 615574.

Allele frequency attached by ClinVar (database versions not stated): gnomAD exomes below 0.00001.
gnomAD v4.1: 1 of 1,613,638 alleles (0.000062%); highest among the groups gnomAD compares: Non-Finnish European, 0.000085%; no homozygotes.

Submissions (2):

Natera, Inc.
Classification: Likely pathogenic for Asparagine synthetase deficiency. Last evaluated: 2024-08-19. Review status: criteria provided, single submitter. Criteria: Natera Variant Classification Schema (03/2026). Collection method: clinical testing. Allele origin: germline.
Comment: The c.1320+1G>T variant in ASNS is a canonical splice donor site variant predicted to affect pre-mRNA splicing, which may result in an abnormal transcript and altered protein product. This variant is expected to result in nonsense mediated decay, truncation, or a dysfunctional protein product. This variant is rare in the general population with a frequency below the threshold expected for the associated phenotype(s). Given the available evidence, this variant is classified as Likely Pathogenic.

Labcorp Genetics (formerly Invitae), Labcorp
Classification: Likely pathogenic. Last evaluated: 2024-02-22. Review status: criteria provided, single submitter. Criteria: Invitae Variant Classification Sherloc (09022015). Collection method: clinical testing. Allele origin: germline.
Comment: This sequence change affects a donor splice site in intron 11 of the ASNS gene. It is expected to disrupt RNA splicing. Variants that disrupt the donor or acceptor splice site typically lead to a loss of protein function (PMID: 16199547), and loss-of-function variants in ASNS are known to be pathogenic (PMID: 27422383, 30057589). This variant is not present in population databases (gnomAD no frequency). This variant has not been reported in the literature in individuals affected with ASNS-related conditions. ClinVar contains an entry for this variant (Variation ID: 845375). Algorithms developed to predict the effect of sequence changes on RNA splicing suggest that this variant may disrupt the consensus splice site. In summary, the currently available evidence indicates that the variant is pathogenic, but additional data are needed to prove that conclusively. Therefore, this variant has been classified as Likely Pathogenic.

Literature cited by the submitters: PubMed 16199547 (cited by Labcorp Genetics (formerly Invitae), Labcorp); PubMed 27422383 (cited by Labcorp Genetics (formerly Invitae), Labcorp); PubMed 30057589 (cited by Labcorp Genetics (formerly Invitae), Labcorp).

NM_001673.5(ASNS):c.1320+1G>T

Genes: ASNS (asparagine synthetase (glutamine-hydrolyzing); minus strand), CZ1P-ASNS (CZ1P-ASNS readthrough; minus strand). Cytogenetic location: 7q21.3.
Variant type: single nucleotide variant.
Coding change: c.1320+1G>T on transcript NM_001673.5 (MANE Select); the canonical splice donor site of the intron after coding-DNA position 1320, G replaced by T.
Molecular consequence: splice donor variant.
Genome position (GRCh38, 1-based): chr7:97,853,304, C>A on the plus strand (G>T on the coding strand, the complement: ASNS is on the minus strand). VCF-style: chr7-97853304-C-A. GRCh37 (hg19) VCF-style: chr7-97482616-C-A.
Other names: c.1320+1G>T (NM_001352496.2, NM_183356.4, NM_133436.3); c.1071+1G>T (NM_001178076.2, NM_001178077.1); c.1257+1G>T (NM_001178075.2).
Identifiers: ClinVar variation 845375 (VCV000845375.9), dbSNP rs1791277284, ClinGen allele CA368265001.
Genomic context (GRCh38, chr7:97,853,304, plus strand): 5'-TAAAAATTACAAATATAATCTGATGGCAATGGACAGTTTTACCTTGAGTTGATTTACCTA[C>A]CTTTGGAATTCTCATTTCTGGTGGCAGAGACAAGTAATAGGAAGAAAATCGATGATCTAG-3'